The following is an entry in ClinVar:

ClinVar aggregate classification (germline): Conflicting classifications of pathogenicity. Review status: criteria provided, conflicting classifications (1 of 4 stars). 2 submissions from 2 submitters: Uncertain significance (1); Likely benign (1). Last evaluated 2025-01-05.

Conditions:
Inborn genetic diseases. Identifiers: MedGen C0950123, MeSH D030342.

gnomAD v4.1: 10 of 1,610,306 alleles (0.00062%); highest among the groups gnomAD compares: Non-Finnish European, 0.00076%; no homozygotes.

Submissions (2):

Ambry Genetics
Classification: Likely benign for Inborn genetic diseases. Last evaluated: 2025-01-05. Review status: criteria provided, single submitter. Criteria: Ambry Variant Classification Scheme 2023. Collection method: clinical testing. Allele origin: germline.

GeneDx
Classification: Uncertain significance. Last evaluated: 2023-12-24. Review status: criteria provided, single submitter. Criteria: GeneDx Variant Classification Process June 2021. Collection method: clinical testing. Allele origin: germline. Affected: yes.
Comment: Not observed at significant frequency in large population cohorts (gnomAD); In silico analysis supports that this missense variant does not alter protein structure/function; Has not been previously published as pathogenic or benign to our knowledge; Reported using an alternate transcript of the gene

NM_001276270.2(MBD4):c.40C>T (p.Arg14Cys)

Genes: IFT122 (intraflagellar transport 122; plus strand), MBD4 (methyl-CpG binding domain 4, DNA glycosylase; minus strand), LOC129937550 (ATAC-STARR-seq lymphoblastoid active region 20512; plus strand). Cytogenetic location: 3q21.3.
Variant type: single nucleotide variant.
Coding change: c.40C>T on transcript NM_001276270.2 (MANE Select); coding-DNA position 40, C replaced by T.
Protein change: p.Arg14Cys; replaces arginine 14 with cysteine.
Molecular consequence: missense variant.
Genome position (GRCh38, 1-based): chr3:129,439,794, G>A on the plus strand (C>T on the coding strand, the complement: MBD4 is on the minus strand). VCF-style: chr3-129439794-G-A. GRCh37 (hg19) VCF-style: chr3-129158637-G-A.
Other names: c.40C>T, p.Arg14Cys (NM_001276271.2, NM_001276272.2, NM_001276273.2 and 1 more transcripts); short protein forms R14C.
Identifiers: ClinVar variation 3365789 (VCV003365789.2).